The following is an entry in ClinVar:

ClinVar aggregate classification (germline): Uncertain significance (0 of 4 stars; one submission).

Conditions:
PCSK1-related disorder. Also called: PCSK1-related condition.

Allele frequency attached by ClinVar (database versions not stated): gnomAD 0.00001; TOPMed 0.00001; gnomAD exomes 0.00001.
gnomAD v4.1: 16 of 1,495,692 alleles (0.0011%); highest among the groups gnomAD compares: African/African-American, 0.0028%; no homozygotes.

Submission:

PreventionGenetics, part of Exact Sciences
Classification: Uncertain significance for PCSK1-related condition. Last evaluated: 2023-10-19. Review status: no assertion criteria provided. Collection method: clinical testing. Allele origin: germline.
Comment: The PCSK1 c.281A>G variant is predicted to result in the amino acid substitution p.Asp94Gly. In a functional study, this variant was found to not affect PCSK1 enzymatic activity (Folon et al. 2023. PubMed ID: 36822744). This variant is reported in 0.00088% of alleles in individuals of European (Non-Finnish) descent in gnomAD. At this time, the clinical significance of this variant is uncertain due to the absence of conclusive functional and genetic evidence.

NM_000439.5(PCSK1):c.281A>G (p.Asp94Gly)

Genes: CAST (calpastatin; plus strand), PCSK1 (proprotein convertase subtilisin/kexin type 1; minus strand), LOC101929710 (uncharacterized LOC101929710; plus strand). Cytogenetic location: 5q15.
Variant type: single nucleotide variant.
Coding change: c.281A>G on transcript NM_000439.5 (MANE Select); coding-DNA position 281, A replaced by G.
Protein change: p.Asp94Gly; replaces aspartic acid 94 with glycine.
Molecular consequence: missense variant. On other transcripts: intron variant (11).
Genome position (GRCh38, 1-based): chr5:96,429,217, T>C on the plus strand (A>G on the coding strand, the complement: PCSK1 is on the minus strand). VCF-style: chr5-96429217-T-C. GRCh37 (hg19) VCF-style: chr5-95764921-T-C.
Other names: c.140A>G, p.Asp47Gly (NM_001177875.2); c.-175+49565T>C (NM_001423254.1, NM_001423259.1, NM_001423255.1 and 6 more transcripts); c.-103+49565T>C (NM_001423253.1); c.-40+49565T>C (NM_001423258.1); short protein forms D47G, D94G.
Identifiers: ClinVar variation 3049410 (VCV003049410.2), dbSNP rs1195026964, ClinGen allele CA360485074.